The following is an entry in ClinVar:

ClinVar aggregate classification (germline): Pathogenic (1 of 4 stars; one submission).

Conditions:
Sialuria. Also called: SIALURIA, FRENCH TYPE; Sialic Acid Storage Disease. Identifiers: Orphanet 3166, MedGen C0342853, MONDO:0010028, OMIM 269921.
GNE myopathy (NM). Also called: NONAKA DISTAL MYOPATHY; INCLUSION BODY MYOPATHY, HEREDITARY, AUTOSOMAL RECESSIVE; INCLUSION BODY MYOPATHY 2, AUTOSOMAL RECESSIVE; MYOPATHY, DISTAL, WITH OR WITHOUT RIMMED VACUOLES; IBM 2; Inclusion body myopathy autosomal recessive. Identifiers: Orphanet 602, MedGen C1853926, MONDO:0011603, OMIM 605820.

Submission:

Labcorp Genetics (formerly Invitae), Labcorp
Classification: Pathogenic for Sialuria; GNE myopathy. Last evaluated: 2024-02-19. Review status: criteria provided, single submitter. Criteria: Invitae Variant Classification Sherloc (09022015). Collection method: clinical testing. Allele origin: germline.
Comment: This sequence change creates a premature translational stop signal (p.Gln524*) in the GNE gene. It is expected to result in an absent or disrupted protein product. Loss-of-function variants in GNE are known to be pathogenic (PMID: 24027297). This variant is not present in population databases (gnomAD no frequency). This variant has not been reported in the literature in individuals affected with GNE-related conditions. Algorithms developed to predict the effect of sequence changes on RNA splicing suggest that this variant may disrupt the consensus splice site. For these reasons, this variant has been classified as Pathogenic.

Literature cited by the submitters: PubMed 24027297.

NM_005476.7(GNE):c.1477C>T (p.Gln493Ter)

Gene: GNE (glucosamine (UDP-N-acetyl)-2-epimerase/N-acetylmannosamine kinase; minus strand). Cytogenetic location: 9p13.3.
Variant type: single nucleotide variant.
Coding change: c.1477C>T on transcript NM_005476.7 (MANE Select); coding-DNA position 1477, C replaced by T.
Protein change: p.Gln493Ter; replaces glutamine 493 with a stop codon.
Molecular consequence: nonsense. On other transcripts: intron variant (1).
Genome position (GRCh38, 1-based): chr9:36,222,933, G>A on the plus strand (C>T on the coding strand, the complement: GNE is on the minus strand). VCF-style: chr9-36222933-G-A. GRCh37 (hg19) VCF-style: chr9-36222930-G-A.
Other names: c.1570C>T, p.Gln524Ter (NM_001128227.3); c.1147C>T, p.Gln383Ter (NM_001190384.3); c.1300C>T, p.Gln434Ter (NM_001190388.2, NM_001374798.1); c.1324C>T, p.Gln442Ter (NM_001374797.1); c.1411+440C>T (NM_001190383.3); short protein forms Q383*, Q434*, Q442*, Q493*, Q524*.
Identifiers: ClinVar variation 3754821 (VCV003754821.2).
Genomic context (GRCh38, chr9:36,222,933, plus strand): 5'-ACACAGGGAGATGCAAAGTGTCAGAAAGGGGGGTCCTAAGGTCCACAGAGTTCCACTCTT[G>A]GATCAGTTTGGTTGAATGCAGCACAATTCCTTCCCGAGGATTTACACGGCCACCTGTGGA-3'